The following is an entry in ClinVar:

ClinVar aggregate classification (germline): Conflicting classifications of pathogenicity. Review status: criteria provided, conflicting classifications (1 of 4 stars). 3 submissions from 3 submitters: Likely pathogenic (1); Uncertain significance (2). Last evaluated 2026-04-27.

Conditions:
Oculocutaneous albinism. Identifiers: Orphanet 55, MedGen C0078918, MONDO:0018910.

Allele frequency attached by ClinVar (database versions not stated): gnomAD 0.00003 and 0.00009; TOPMed 0.00006; gnomAD exomes 0.00010 and 0.00015; ExAC 0.00015; 1000 Genomes Project 30x 0.00031; 1000 Genomes Project 0.00040.
gnomAD v4.1: 158 of 1,613,742 alleles (0.0098%); highest among the groups gnomAD compares: South Asian, 0.13%; 2 homozygotes.

Submissions (3):

Women's Health and Genetics/Laboratory Corporation of America, LabCorp
Classification: Likely pathogenic for Oculocutaneous albinism. Last evaluated: 2026-04-27. Review status: criteria provided, single submitter. Criteria: LabCorp Variant Classification Summary - May 2015. Collection method: clinical testing. Allele origin: germline.
Comment: Variant summary: OCA2 c.1048G>A (p.Val350Met) results in a conservative amino acid change in the encoded protein sequence. Algorithms developed to predict the effect of missense changes on protein structure and function are either unavailable or do not agree on the potential impact of this missense change. At least one publication reports experimental evidence that this variant affects mRNA splicing in an in vitro minigene splicing assay, demonstrating in frame exon 10 skipping in >50% of the transcript pool (example, Mercier_2025). The variant allele was found at a frequency of 9.8e-05 in 1613742 control chromosomes, predominantly at a frequency of 0.0013 within the South Asian subpopulation in the gnomAD database, including 2 homozygotes. This frequency is not significantly higher than estimated for disease-causing variants in OCA2, allowing no conclusion about variant significance. c.1048G>A has been observed in the presumed or confirmed compound heterozygous state in at least 3 individual(s) affected with Oculocutaneous Albinism (example, Mauri_2017, Mercier_2025, internal data) and in the triply heterozygous state in an early report (example, Kerr_2000). These data indicate that the variant may be associated with disease. The following publications have been ascertained in the context of this evaluation (PMID: 10649493, 27734839, 40996958). ClinVar contains an entry for this variant (Variation ID: 1424156). Based on the evidence outlined above, the variant was classified as likely pathogenic.

Blueprint Genetics
Classification: Uncertain significance. Last evaluated: 2024-11-20. Review status: criteria provided, single submitter. Criteria: ACMG Guidelines, 2015. Collection method: clinical testing. Allele origin: germline.

Labcorp Genetics (formerly Invitae), Labcorp
Classification: Uncertain significance. Last evaluated: 2024-01-29. Review status: criteria provided, single submitter. Criteria: Invitae Variant Classification Sherloc (09022015). Collection method: clinical testing. Allele origin: germline.
Comment: This sequence change replaces valine, which is neutral and non-polar, with methionine, which is neutral and non-polar, at codon 350 of the OCA2 protein (p.Val350Met). This variant is present in population databases (rs533478642, gnomAD 0.1%). This missense change has been observed in individual(s) with oculocutaneous albinism (PMID: 10649493, 27734839). ClinVar contains an entry for this variant (Variation ID: 1424156). Advanced modeling of protein sequence and biophysical properties (such as structural, functional, and spatial information, amino acid conservation, physicochemical variation, residue mobility, and thermodynamic stability) has been performed at Invitae for this missense variant, however the output from this modeling did not meet the statistical confidence thresholds required to predict the impact of this variant on OCA2 protein function. In summary, the available evidence is currently insufficient to determine the role of this variant in disease. Therefore, it has been classified as a Variant of Uncertain Significance.

Literature cited by the submitters: PubMed 27734839 (cited by Women's Health and Genetics/Laboratory Corporation of America, LabCorp and Labcorp Genetics (formerly Invitae), Labcorp); PubMed 10649493 (cited by Women's Health and Genetics/Laboratory Corporation of America, LabCorp and Labcorp Genetics (formerly Invitae), Labcorp); PubMed 40996958 (cited by Women's Health and Genetics/Laboratory Corporation of America, LabCorp).

NM_000275.3(OCA2):c.1048G>A (p.Val350Met)

Gene: OCA2 (OCA2 melanosomal transmembrane protein; minus strand). Cytogenetic location: 15q13.1.
Variant type: single nucleotide variant.
Coding change: c.1048G>A on transcript NM_000275.3 (MANE Select); coding-DNA position 1048, G replaced by A.
Protein change: p.Val350Met; replaces valine 350 with methionine.
Molecular consequence: missense variant. On other transcripts: intron variant (1).
Genome position (GRCh38, 1-based): chr15:27,990,644, C>T on the plus strand (G>A on the coding strand, the complement: OCA2 is on the minus strand). VCF-style: chr15-27990644-C-T. GRCh37 (hg19) VCF-style: chr15-28235790-C-T.
Other names: c.1045-978G>A (NM_001300984.2); short protein forms V350M.
Identifiers: ClinVar variation 1424156 (VCV001424156.7), dbSNP rs533478642, ClinGen allele CA7439228.